The following is an entry in ClinVar:

ClinVar aggregate classification (germline): Uncertain significance. Review status: criteria provided, multiple submitters, no conflicts (2 of 4 stars). 2 submissions from 2 submitters: Uncertain significance (2). Last evaluated 2022-10-13.

Conditions:
Hereditary cancer-predisposing syndrome. Also called: Neoplastic Syndromes, Hereditary; Tumor predisposition; Hereditary Cancer Syndrome; Hereditary neoplastic syndrome. Identifiers: Orphanet 140162, MedGen C0027672, MeSH D009386, MONDO:0015356.

Submissions (2):

Ambry Genetics
Classification: Uncertain significance for Hereditary cancer-predisposing syndrome. Last evaluated: 2022-10-13. Review status: criteria provided, single submitter. Criteria: Ambry Variant Classification Scheme 2023. Collection method: clinical testing. Allele origin: germline.
Comment: The c.3872_3893del22 variant, located in coding exon 25 of the RAD50 gene, results from a deletion of 22 nucleotides at nucleotide positions 3872 to 3893, causing a translational frameshift with a predicted alternate stop codon (p.K1291Rfs*3). This alteration occurs at the 3' terminus of theRAD50 gene, is not expected to trigger nonsense-mediated mRNAdecay, and only impacts the last 20 amino acids of the protein. The exact functional effect of this alteration is unknown. Since supporting evidence is limited at this time, the clinical significance of this alteration remains unclear.

Labcorp Genetics (formerly Invitae), Labcorp
Classification: Uncertain significance for Hereditary cancer-predisposing syndrome. Last evaluated: 2020-09-23. Review status: criteria provided, single submitter. Criteria: Invitae Variant Classification Sherloc (09022015). Collection method: clinical testing. Allele origin: germline.
Comment: In summary, the available evidence is currently insufficient to determine the role of this variant in disease. Therefore, it has been classified as a Variant of Uncertain Significance. This variant has not been reported in the literature in individuals with RAD50-related conditions. The frequency data for this variant in the population databases is considered unreliable, as metrics indicate poor data quality at this position in the ExAC database. This sequence change results in a premature translational stop signal in the RAD50 gene (p.Lys1291Argfs*3). While this is not anticipated to result in nonsense mediated decay, it is expected to disrupt the last 22 amino acids of the RAD50 protein.

NM_005732.4(RAD50):c.3872_3893del (p.Lys1291fs)

Genes: TH2LCRR (T helper type 2 locus control region associated RNA; minus strand), RAD50 (RAD50 double strand break repair protein; plus strand). Cytogenetic location: 5q31.1.
Variant type: Deletion.
Coding change: c.3872_3893del on transcript NM_005732.4 (MANE Select); coding-DNA positions 3872 to 3893, 22 bases deleted (AGAACATCGATCAGTGCTCAGA).
Protein change: p.Lys1291fs; shifts the reading frame from lysine 1291.
Molecular consequence: frameshift variant.
Genome position (GRCh38, 1-based): chr5:132,642,297-132,642,318, AGAACATCGATCAGTGCTCAGA deleted; deleting any 22 consecutive bases within chr5:132,642,296-132,642,318 gives the same sequence; the c. name uses the placement nearest the transcript's 3' end. VCF-style (leftmost placement, unchanged base first): chr5-132642295-AAAGAACATCGATCAGTGCTCAG-A. GRCh37 (hg19) VCF-style: chr5-131977987-AAAGAACATCGATCAGTGCTCAG-A.
Other names: short protein forms K1291fs.
Identifiers: ClinVar variation 1025701 (VCV001025701.9), dbSNP rs759582800, ClinGen allele CA3405688.